The following is an entry in ClinVar:

NM_052947.4(ALPK2):c.1976A>G (p.Glu659Gly)

Gene: ALPK2 (alpha kinase 2; minus strand). Cytogenetic location: 18q21.31.
Variant type: single nucleotide variant.
Coding change: c.1976A>G on transcript NM_052947.4 (MANE Select); coding-DNA position 1976, A replaced by G.
Protein change: p.Glu659Gly; replaces glutamic acid 659 with glycine.
Molecular consequence: missense variant.
Genome position (GRCh38, 1-based): chr18:58,538,211, T>C on the plus strand (A>G on the coding strand, the complement: ALPK2 is on the minus strand). VCF-style: chr18-58538211-T-C. GRCh37 (hg19) VCF-style: chr18-56205443-T-C.
Other names: short protein forms E659G.
Identifiers: ClinVar variation 1783707 (VCV001783707.2), dbSNP rs2518878308, ClinGen allele CA402571980.

ClinVar aggregate classification (germline): Uncertain significance (1 of 4 stars; one submission).

Submission:

Ambry Genetics
Classification: Uncertain significance. Last evaluated: 2022-04-22. Review status: criteria provided, single submitter. Criteria: Ambry Variant Classification Scheme 2023. Collection method: clinical testing. Allele origin: germline.
Comment: The p.E659G variant (also known as c.1976A>G), located in coding exon 4 of the ALPK2 gene, results from an A to G substitution at nucleotide position 1976. The glutamic acid at codon 659 is replaced by glycine, an amino acid with similar properties. This amino acid position is conserved. In addition, this alteration is predicted to be tolerated by in silico analysis. Since supporting evidence is limited at this time, the clinical significance of this alteration remains unclear.